The following is an entry in ClinVar:

NM_005359.6(SMAD4):c.1219dup (p.Val407fs)

Gene: SMAD4 (SMAD family member 4; plus strand). Cytogenetic location: 18q21.2.
Variant type: Duplication.
Coding change: c.1219dup on transcript NM_005359.6 (MANE Select); coding-DNA position 1219, one base duplicated (G; older notation c.1219dupG).
Protein change: p.Val407fs; shifts the reading frame from valine 407.
Molecular consequence: frameshift variant. On other transcripts: non-coding transcript variant (1).
Genome position (GRCh38, 1-based): chr18:51,067,098, G duplicated; the last of 2 consecutive G bases (chr18:51,067,097-51,067,098); duplicating either gives the same sequence. VCF-style (leftmost placement, unchanged base first): chr18-51067096-C-CG. GRCh37 (hg19) VCF-style: chr18-48593466-C-CG.
Other names: c.1219dup, p.Val407fs (NM_001407041.1, NM_001407042.1); short protein forms V407fs.
Identifiers: ClinVar variation 4731723 (VCV004731723.1).
Genomic context (GRCh38, chr18:51,067,096, plus strand): 5'-GTGTGCAGTTGGAATGTAAAGGTGAAGGTGATGTTTGGGTCAGGTGCCTTAGTGACCACG[C>CG]GGTCTTTGTACAGAGTTACTACTTAGACAGAGAAGCTGGGCGTGCACCTGGAGATGCTGT-3'

ClinVar aggregate classification (germline): Pathogenic (1 of 4 stars; one submission).

Conditions:
Juvenile polyposis syndrome (JPS). Identifiers: Orphanet 2929, MedGen C0345893, MONDO:0017380, OMIM 174900.

Submission:

Labcorp Genetics (formerly Invitae), Labcorp
Classification: Pathogenic for Juvenile polyposis syndrome. Last evaluated: 2026-01-14. Review status: criteria provided, single submitter. Criteria: Invitae Variant Classification Sherloc (09022015). Collection method: clinical testing. Allele origin: germline.
Comment: This sequence change creates a premature translational stop signal (p.Val407Glyfs*22) in the SMAD4 gene. It is expected to result in an absent or disrupted protein product. Loss-of-function variants in SMAD4 are known to be pathogenic (PMID: 16152648, 16436638, 22810475). This variant is not present in population databases (gnomAD no frequency). This variant has not been reported in the literature in individuals affected with SMAD4-related conditions. For these reasons, this variant has been classified as Pathogenic.

Literature cited by the submitters: PubMed 16152648; PubMed 16436638; PubMed 22810475.